The following is an entry in ClinVar:

ClinVar aggregate classification (germline): Pathogenic (1 of 4 stars; one submission).

Conditions:
Developmental and epileptic encephalopathy, 13 (DEE13). Also called: SCN8A-Related Epilepsy; Early infantile epileptic encephalopathy 13; Developmental and Epileptic Encephalopathy (SCN8A-DEE). Identifiers: Orphanet 442835, MedGen C3281191, MONDO:0013801, OMIM 614558.

Submission:

Groupe Hospitalier Pitie Salpetriere, Uf Genomique Du Developpement, Assistance Publique Hopitaux de Paris Sorbonne Université
Classification: Pathogenic for Epileptic encephalopathy, early infantile, 13. Last evaluated: 2017-01-06. Review status: criteria provided, single submitter. Criteria: ACMG Guidelines, 2015. Collection method: clinical testing. Allele origin: de novo. Affected: yes. Observed: 1 variant allele.
Comment: Intellectual disability, moderate.

Literature cited by the submitters: PubMed 28708303.

NM_001330260.2(SCN8A):c.4394A>T (p.Asp1465Val)

Gene: SCN8A (sodium voltage-gated channel alpha subunit 8; plus strand). Cytogenetic location: 12q13.13.
Variant type: single nucleotide variant.
Coding change: c.4394A>T on transcript NM_001330260.2 (MANE Select); coding-DNA position 4394, A replaced by T.
Protein change: p.Asp1465Val; replaces aspartic acid 1465 with valine.
Molecular consequence: missense variant.
Genome position (GRCh38, 1-based): chr12:51,789,393, A>T. VCF-style: chr12-51789393-A-T. GRCh37 (hg19) VCF-style: chr12-52183177-A-T.
Other names: c.4271A>T, p.Asp1424Val (NM_001177984.3, NM_001369788.1); c.4394A>T, p.Asp1465Val (NM_014191.4); short protein forms D1465V, D1424V.
Identifiers: ClinVar variation 431135 (VCV000431135.3), dbSNP rs1135401806, ClinGen allele CA384908563.
Genomic context (GRCh38, chr12:51,789,393, plus strand): 5'-TCATCTTCATCATCTTCGGCTCCTTCTTCACCCTGAACCTGTTCATTGGTGTCATCATTG[A>T]TAACTTCAATCAACAAAAGAAAAAGATAGGTCTCCTCCCCTCATTGCCAGTGGTTGGAAG-3'
Protein context (NP_001317189.1, residues 1455-1475): TLNLFIGVII[Asp1465Val]NFNQQKKKFG